The following is an entry in ClinVar:

ClinVar aggregate classification (germline): Uncertain significance (1 of 4 stars; one submission).

gnomAD v4.1: 10 of 1,613,866 alleles (0.00062%); highest among the groups gnomAD compares: Non-Finnish European, 0.00085%; no homozygotes.

Submission:

GeneDx
Classification: Uncertain significance. Last evaluated: 2022-07-14. Review status: criteria provided, single submitter. Criteria: GeneDx Variant Classification Process June 2021. Collection method: clinical testing. Allele origin: germline. Affected: yes.
Comment: Not observed at significant frequency in large population cohorts (gnomAD); In silico analysis supports that this missense variant does not alter protein structure/function; Has not been previously published as pathogenic or benign to our knowledge

NM_001039141.3(TRIOBP):c.328G>A (p.Glu110Lys)

Gene: TRIOBP (TRIO and F-actin binding protein; plus strand). Cytogenetic location: 22q13.1.
Variant type: single nucleotide variant.
Coding change: c.328G>A on transcript NM_001039141.3 (MANE Select); coding-DNA position 328, G replaced by A.
Protein change: p.Glu110Lys; replaces glutamic acid 110 with lysine.
Molecular consequence: missense variant.
Genome position (GRCh38, 1-based): chr22:37,713,283, G>A. VCF-style: chr22-37713283-G-A. GRCh37 (hg19) VCF-style: chr22-38109290-G-A.
Other names: short protein forms E110K.
Identifiers: ClinVar variation 1878779 (VCV001878779.1), dbSNP rs745434873, ClinGen allele CA10223316.
Genomic context (GRCh38, chr22:37,713,283, plus strand): 5'-TCAGCAGGGCTCCCAGAAGAGGGTCCCACAGCTGCCCCCAGGAGCAGGAGCCGGGAGCTT[G>A]AGGCAGTACCCTATCTGGAGGGCCTGACCACTTCCTTGTGTGGCAGCTGCAACGAGGACC-3'
Protein context (NP_001034230.1, residues 100-120): AAPRSRSREL[Glu110Lys]AVPYLEGLTT